The following is an entry in ClinVar:

ClinVar aggregate classification (germline): Uncertain significance (1 of 4 stars; one submission).

Conditions:
Proteosome-associated autoinflammatory syndrome. Also called: Proteasome-associated autoinflammatory syndrome. Identifiers: Orphanet 324977, MedGen C1850568, MONDO:0009726.

Submission:

Labcorp Genetics (formerly Invitae), Labcorp
Classification: Uncertain significance for Proteosome-associated autoinflammatory syndrome. Last evaluated: 2024-09-11. Review status: criteria provided, single submitter. Criteria: Invitae Variant Classification Sherloc (09022015). Collection method: clinical testing. Allele origin: germline.
Comment: This sequence change falls in intron 1 of the PSMB8 gene. It does not directly change the encoded amino acid sequence of the PSMB8 protein. It affects a nucleotide within the consensus splice site. This variant is present in population databases (no rsID available, gnomAD 0.002%). This variant has not been reported in the literature in individuals affected with PSMB8-related conditions. Variants that disrupt the consensus splice site are a relatively common cause of aberrant splicing (PMID: 17576681, 9536098). Algorithms developed to predict the effect of sequence changes on RNA splicing suggest that this variant may disrupt the consensus splice site. In summary, the available evidence is currently insufficient to determine the role of this variant in disease. Therefore, it has been classified as a Variant of Uncertain Significance.

Literature cited by the submitters: PubMed 17576681; PubMed 9536098.

NM_148919.4(PSMB8):c.147+5G>C

Gene: PSMB8 (proteasome 20S subunit beta 8; minus strand). Cytogenetic location: 6p21.32.
Variant type: single nucleotide variant.
Coding change: c.147+5G>C on transcript NM_148919.4 (MANE Select); 5 bases into the intron after coding-DNA position 147, G replaced by C.
Molecular consequence: intron variant.
Genome position (GRCh38, 1-based): chr6:32,843,845, C>G on the plus strand (G>C on the coding strand, the complement: PSMB8 is on the minus strand). VCF-style: chr6-32843845-C-G. GRCh37 (hg19) VCF-style: chr6-32811622-C-G.
Other names: c.135+434G>C (NM_004159.5).
Identifiers: ClinVar variation 3704438 (VCV003704438.2).